The following is an entry in ClinVar:

NM_000143.4(FH):c.431G>T (p.Gly144Val)

Gene: FH (fumarate hydratase; minus strand). Cytogenetic location: 1q43.
Variant type: single nucleotide variant.
Coding change: c.431G>T on transcript NM_000143.4 (MANE Select); coding-DNA position 431, G replaced by T.
Protein change: p.Gly144Val; replaces glycine 144 with valine.
Molecular consequence: missense variant.
Genome position (GRCh38, 1-based): chr1:241,512,091, C>A on the plus strand (G>T on the coding strand, the complement: FH is on the minus strand). VCF-style: chr1-241512091-C-A. GRCh37 (hg19) VCF-style: chr1-241675391-C-A.
Other names: short protein forms G144V.
Identifiers: ClinVar variation 382701 (VCV000382701.14), dbSNP rs1057521425, ClinGen allele CA16603598.

ClinVar aggregate classification (germline): Conflicting classifications of pathogenicity. Review status: criteria provided, conflicting classifications (1 of 4 stars). 5 submissions from 5 submitters: Pathogenic (2); Uncertain significance (3). Last evaluated 2025-12-11.

Conditions:
Hereditary cancer-predisposing syndrome. Also called: Neoplastic Syndromes, Hereditary; Hereditary Cancer Syndrome; Hereditary neoplastic syndrome; Tumor predisposition. Identifiers: Orphanet 140162, MedGen C0027672, MeSH D009386, MONDO:0015356.
Hereditary leiomyomatosis and renal cell cancer. Also called: LEIOMYOMA, MULTIPLE CUTANEOUS; MULTIPLE CUTANEOUS AND UTERINE LEIOMYOMATA 1, WITH OR WITHOUT RENAL CELL CARCINOMA; Reed syndrome; Multiple cutaneous and uterine leiomyomatosis; Cutaneous leiomyomata with uterine leiomyomata; Leiomyoma, hereditary multiple, of skin. Identifiers: Orphanet 523, MedGen C1708350, MONDO:0007888, OMIM 150800, HP:0007437. Disease mechanism: loss of function.
Fumarase deficiency (FMRD). Also called: Fumaric aciduria; Fumarate Hydratase Deficiency. Identifiers: Orphanet 24, MedGen C0342770, MONDO:0011730, OMIM 606812.

Allele frequency attached by ClinVar (database versions not stated): gnomAD exomes below 0.00001.
gnomAD v4.1: 1 of 1,613,878 alleles (0.000062%); highest among the groups gnomAD compares: South Asian, 0.0011%; no homozygotes.

Submissions (5):

Ambry Genetics
Classification: Pathogenic for Hereditary cancer-predisposing syndrome. Last evaluated: 2025-12-11. Review status: criteria provided, single submitter. Criteria: Ambry Variant Classification Scheme 2023. Collection method: clinical testing. Allele origin: germline.
Comment: The p.G144V pathogenic mutation (also known as c.431G>T), located in coding exon 4 of the FH gene, results from a G to T substitution at nucleotide position 431. The glycine at codon 144 is replaced by valine, an amino acid with dissimilar properties. This alteration has been observed in individuals with a personal and/or family history that is consistent with FH-related disease (Ambry internal data; Forde C et al. Eur Urol Oncol, 2020 Dec;3:764-772; Yngvadottir B et al. Hum Mol Genet, 2022 Aug;31:3001-3011). Two other alterations at the same codon, p.G144A (c.431G>C) and p.G144E (c.431G>A), have also been observed in individuals with a personal and/or family history that is consistent with FH-related disease (Ambry internal data; Furuya M et al. J Clin Pathol, 2020 Dec;73:819-825). This amino acid position is highly conserved in available vertebrate species. In addition, this alteration is predicted to be deleterious by in silico analysis. Based on the supporting evidence, this variant is interpreted as a disease-causing mutation.

GeneDx
Classification: Uncertain significance. Last evaluated: 2024-11-14. Review status: criteria provided, single submitter. Criteria: GeneDx Variant Classification Process June 2021. Collection method: clinical testing. Allele origin: germline. Affected: yes.
Comment: The G144V variant in the FH gene has not been published as a pathogenic variant, nor has it been reported as a benign variant to our knowledge. The G144V variant was not observed in approximately 6,500 individuals of European and African American ancestry in the NHLBI Exome Sequencing Project, indicating it is not a common benign variant in these populations. The G144V variant is a conservative amino acid substitution, which is not likely to impact secondary protein structure as these residues share similar properties. This substitution occurs at a position that is conserved across species, and in silico analysis predicts this variant is probably damaging to the protein structure/function. Missense variants in nearby residues (V140G, Q142K) have been reported in the Human Gene Mutation Database in association with FH-related disease (Stenson et al., 2014), supporting the functional importance of this region of the protein. Based on the currently available information, it is unclear whether this variant is a pathogenic variant or a rare benign variant. We consider G144V to be a variant of uncertain significance.

Molecular Pathology, Peter Maccallum Cancer Centre
Classification: Uncertain significance for Hereditary leiomyomatosis and renal cell cancer. Last evaluated: 2024-04-29. Review status: criteria provided, single submitter. Criteria: ACMG Guidelines, 2015. Collection method: clinical testing. Allele origin: germline. Inheritance: Autosomal dominant inheritance.

Labcorp Genetics (formerly Invitae), Labcorp
Classification: Pathogenic. Last evaluated: 2023-07-17. Review status: criteria provided, single submitter. Criteria: Invitae Variant Classification Sherloc (09022015). Collection method: clinical testing. Allele origin: germline.
Comment: This sequence change replaces glycine, which is neutral and non-polar, with valine, which is neutral and non-polar, at codon 144 of the FH protein (p.Gly144Val). This variant is present in population databases (no rsID available, gnomAD 0.003%). For these reasons, this variant has been classified as Pathogenic. This variant disrupts the p.Gly144 amino acid residue in FH. Other variant(s) that disrupt this residue have been determined to be pathogenic (Invitae). This suggests that this residue is clinically significant, and that variants that disrupt this residue are likely to be disease-causing. Advanced modeling of protein sequence and biophysical properties (such as structural, functional, and spatial information, amino acid conservation, physicochemical variation, residue mobility, and thermodynamic stability) performed at Invitae indicates that this missense variant is expected to disrupt FH protein function. ClinVar contains an entry for this variant (Variation ID: 382701). This missense change has been observed in individual(s) with hereditary leiomyomatosis and renal cell cancer (PMID: 31831373). It has also been observed to segregate with disease in related individuals.

Department of Pathology and Laboratory Medicine, Sinai Health System
Classification: Uncertain significance for Hereditary leiomyomatosis and renal cell cancer; Fumarase deficiency. Last evaluated: 2022-02-03. Review status: criteria provided, single submitter. Criteria: ACMG Guidelines, 2015. Collection method: clinical testing. Allele origin: germline. Affected: yes.

Literature cited by the submitters: PubMed 31831373 (cited by Ambry Genetics and Labcorp Genetics (formerly Invitae), Labcorp); PubMed 35441217 (cited by Ambry Genetics).